The following is an entry in ClinVar:

NM_031263.4(HNRNPK):c.1010T>C (p.Val337Ala)

Gene: HNRNPK (heterogeneous nuclear ribonucleoprotein K; minus strand). Cytogenetic location: 9q21.32.
Variant type: single nucleotide variant.
Coding change: c.1010T>C on transcript NM_031263.4 (MANE Select); coding-DNA position 1010, T replaced by C.
Protein change: p.Val337Ala; replaces valine 337 with alanine.
Molecular consequence: missense variant.
Genome position (GRCh38, 1-based): chr9:83,971,355, A>G on the plus strand (T>C on the coding strand, the complement: HNRNPK is on the minus strand). VCF-style: chr9-83971355-A-G. GRCh37 (hg19) VCF-style: chr9-86586270-A-G.
Other names: c.938T>C, p.Val313Ala (NM_001318186.2, NM_001318187.2); c.1010T>C, p.Val337Ala (NM_001318188.2, NM_002140.5, NM_031262.4); short protein forms V313A, V337A.
Identifiers: ClinVar variation 4538906 (VCV004538906.1).

ClinVar aggregate classification (germline): Uncertain significance (1 of 4 stars; one submission).

gnomAD v4.1: 1 of 1,600,148 alleles (0.000062%); highest among the groups gnomAD compares: Non-Finnish European, 0.000086%; no homozygotes.

Submission:

GeneDx
Classification: Uncertain significance. Last evaluated: 2025-06-18. Review status: criteria provided, single submitter. Criteria: GeneDx Variant Classification Process June 2021. Collection method: clinical testing. Allele origin: germline. Affected: yes.
Comment: Not observed at significant frequency in large population cohorts (gnomAD); In silico analysis suggests that this missense variant does not alter protein structure/function; Has not been previously published as pathogenic or benign to our knowledge